The following is an entry in ClinVar:

ClinVar aggregate classification (germline): Uncertain significance. Review status: criteria provided, multiple submitters, no conflicts (2 of 4 stars). 2 submissions from 2 submitters: Uncertain significance (2). Last evaluated 2025-04-14.

Conditions:
Hereditary spastic paraplegia 57. Also called: Spastic paraplegia 57, autosomal recessive. Identifiers: Orphanet 431329, MedGen C3714897, MONDO:0014295, OMIM 615658.
Hereditary motor and sensory neuropathy, Okinawa type (HMSNO). Also called: HEREDITARY MOTOR AND SENSORY NEUROPATHY, PROXIMAL TYPE. Identifiers: Orphanet 90117, MedGen C1858338, MONDO:0011468, OMIM 604484.
Inborn genetic diseases. Identifiers: MedGen C0950123, MeSH D030342.

Allele frequency attached by ClinVar (database versions not stated): TOPMed 0.00002; gnomAD exomes 0.00003 and 0.00006; ExAC 0.00005.

Submissions (2):

Ambry Genetics
Classification: Uncertain significance for Inborn genetic diseases. Last evaluated: 2025-04-14. Review status: criteria provided, single submitter. Criteria: Ambry Variant Classification Scheme 2023. Collection method: clinical testing. Allele origin: germline.

Labcorp Genetics (formerly Invitae), Labcorp
Classification: Uncertain significance for Hereditary motor and sensory neuropathy, Okinawa type; Hereditary spastic paraplegia 57. Last evaluated: 2024-11-18. Review status: criteria provided, single submitter. Criteria: Invitae Variant Classification Sherloc (09022015). Collection method: clinical testing. Allele origin: germline.
Comment: This sequence change replaces phenylalanine, which is neutral and non-polar, with valine, which is neutral and non-polar, at codon 363 of the TFG protein (p.Phe363Val). This variant is present in population databases (rs758939134, gnomAD 0.04%). This variant has not been reported in the literature in individuals affected with TFG-related conditions. ClinVar contains an entry for this variant (Variation ID: 960261). Invitae Evidence Modeling of protein sequence and biophysical properties (such as structural, functional, and spatial information, amino acid conservation, physicochemical variation, residue mobility, and thermodynamic stability) indicates that this missense variant is not expected to disrupt TFG protein function with a negative predictive value of 80%. In summary, the available evidence is currently insufficient to determine the role of this variant in disease. Therefore, it has been classified as a Variant of Uncertain Significance.

NM_006070.6(TFG):c.1087T>G (p.Phe363Val)

Gene: TFG (trafficking from ER to golgi regulator; plus strand). Cytogenetic location: 3q12.2.
Variant type: single nucleotide variant.
Coding change: c.1087T>G on transcript NM_006070.6 (MANE Select); coding-DNA position 1087, T replaced by G.
Protein change: p.Phe363Val; replaces phenylalanine 363 with valine.
Molecular consequence: missense variant.
Genome position (GRCh38, 1-based): chr3:100,748,415, T>G. VCF-style: chr3-100748415-T-G. GRCh37 (hg19) VCF-style: chr3-100467259-T-G.
Other names: c.1087T>G, p.Phe363Val (NM_001007565.2, NM_001195478.2); c.1075T>G, p.Phe359Val (NM_001195479.2); short protein forms F359V, F363V.
Identifiers: ClinVar variation 960261 (VCV000960261.10), dbSNP rs758939134, ClinGen allele CA2517251.